The following is an entry in ClinVar:

NM_000271.5(NPC1):c.1019C>G (p.Thr340Arg)

Gene: NPC1 (NPC intracellular cholesterol transporter 1; minus strand). Cytogenetic location: 18q11.2.
Variant type: single nucleotide variant.
Coding change: c.1019C>G on transcript NM_000271.5 (MANE Select); coding-DNA position 1019, C replaced by G.
Protein change: p.Thr340Arg; replaces threonine 340 with arginine.
Molecular consequence: missense variant.
Genome position (GRCh38, 1-based): chr18:23,556,550, G>C on the plus strand (C>G on the coding strand, the complement: NPC1 is on the minus strand). VCF-style: chr18-23556550-G-C. GRCh37 (hg19) VCF-style: chr18-21136514-G-C.
Other names: short protein forms T340R.
Identifiers: ClinVar variation 1975588 (VCV001975588.2), dbSNP rs2511284692, ClinGen allele CA401778849.

ClinVar aggregate classification (germline): Uncertain significance (1 of 4 stars; one submission).

Conditions:
Niemann-Pick disease, type C1. Also called: NIEMANN-PICK DISEASE, VARIANT TYPE C1; NEUROVISCERAL STORAGE DISEASE WITH VERTICAL SUPRANUCLEAR OPHTHALMOPLEGIA; NIEMANN-PICK DISEASE WITH CHOLESTEROL ESTERIFICATION BLOCK; NIEMANN-PICK DISEASE WITHOUT SPHINGOMYELINASE DEFICIENCY; NIEMANN-PICK DISEASE, CHRONIC NEURONOPATHIC FORM. Identifiers: Orphanet 646, MedGen C3179455, MONDO:0009757, OMIM 257220.

Allele frequency attached by ClinVar (database versions not stated): gnomAD exomes below 0.00001.
gnomAD v4.1: 1 of 1,614,160 alleles (0.000062%); highest among the groups gnomAD compares: Non-Finnish European, 0.000085%; no homozygotes.

Submission:

Labcorp Genetics (formerly Invitae), Labcorp
Classification: Uncertain significance for Niemann-Pick disease, type C1. Last evaluated: 2022-05-29. Review status: criteria provided, single submitter. Criteria: Invitae Variant Classification Sherloc (09022015). Collection method: clinical testing. Allele origin: germline.
Comment: This sequence change replaces threonine, which is neutral and polar, with arginine, which is basic and polar, at codon 340 of the NPC1 protein (p.Thr340Arg). This variant is not present in population databases (gnomAD no frequency). This variant has not been reported in the literature in individuals affected with NPC1-related conditions. Advanced modeling of protein sequence and biophysical properties (such as structural, functional, and spatial information, amino acid conservation, physicochemical variation, residue mobility, and thermodynamic stability) performed at Invitae indicates that this missense variant is not expected to disrupt NPC1 protein function. In summary, the available evidence is currently insufficient to determine the role of this variant in disease. Therefore, it has been classified as a Variant of Uncertain Significance.